The following is an entry in ClinVar:

NM_006015.6(ARID1A):c.161C>T (p.Ala54Val)

Gene: ARID1A (AT-rich interaction domain 1A; plus strand). Cytogenetic location: 1p36.11.
Variant type: single nucleotide variant.
Coding change: c.161C>T on transcript NM_006015.6 (MANE Select); coding-DNA position 161, C replaced by T.
Protein change: p.Ala54Val; replaces alanine 54 with valine.
Molecular consequence: missense variant.
Genome position (GRCh38, 1-based): chr1:26,696,564, C>T. VCF-style: chr1-26696564-C-T. GRCh37 (hg19) VCF-style: chr1-27023055-C-T.
Other names: c.161C>T, p.Ala54Val (NM_139135.4); short protein forms A54V.
Identifiers: ClinVar variation 2634102 (VCV002634102.4), dbSNP rs1343083864, ClinGen allele CA339264527.

ClinVar aggregate classification (germline): Uncertain significance. Review status: criteria provided, multiple submitters, no conflicts (2 of 4 stars). 2 submissions from 2 submitters: Uncertain significance (2). Last evaluated 2023-06-23.

Conditions:
ARID1A-related disorder. Also called: ARID1A-related condition.

Allele frequency attached by ClinVar (database versions not stated): gnomAD 0.00002; TOPMed 0.00002; gnomAD exomes 0.00003.
gnomAD v4.1: 10 of 1,230,852 alleles (0.00081%); highest among the groups gnomAD compares: Non-Finnish European, 0.001%; no homozygotes.

Submissions (2):

Labcorp Genetics (formerly Invitae), Labcorp
Classification: Uncertain significance. Last evaluated: 2023-06-23. Review status: criteria provided, single submitter. Criteria: Invitae Variant Classification Sherloc (09022015). Collection method: clinical testing. Allele origin: germline.
Comment: Advanced modeling of protein sequence and biophysical properties (such as structural, functional, and spatial information, amino acid conservation, physicochemical variation, residue mobility, and thermodynamic stability) performed at Invitae indicates that this missense variant is not expected to disrupt ARID1A protein function. In summary, the available evidence is currently insufficient to determine the role of this variant in disease. Therefore, it has been classified as a Variant of Uncertain Significance. This variant has not been reported in the literature in individuals affected with ARID1A-related conditions. The frequency data for this variant in the population databases is considered unreliable, as metrics indicate insufficient coverage at this position in the gnomAD database. This sequence change replaces alanine, which is neutral and non-polar, with valine, which is neutral and non-polar, at codon 54 of the ARID1A protein (p.Ala54Val).

PreventionGenetics, part of Exact Sciences
Classification: Uncertain significance for ARID1A-related condition. Last evaluated: 2023-01-26. Review status: criteria provided, single submitter. Criteria: ACMG Guidelines, 2015. Collection method: clinical testing. Allele origin: germline.
Comment: The ARID1A c.161C>T variant is predicted to result in the amino acid substitution p.Ala54Val. To our knowledge, this variant has not been reported in the literature or in a large population database, indicating this variant is rare. At this time, the clinical significance of this variant is uncertain due to the absence of conclusive functional and genetic evidence.